The following is an entry in ClinVar:

NM_000484.4(APP):c.2155A>C (p.Thr719Pro)

Gene: APP (amyloid beta precursor protein; minus strand). Cytogenetic location: 21q21.3.
Variant type: single nucleotide variant.
Coding change: c.2155A>C on transcript NM_000484.4 (MANE Select); coding-DNA position 2155, A replaced by C.
Protein change: p.Thr719Pro; replaces threonine 719 with proline.
Molecular consequence: missense variant.
Genome position (GRCh38, 1-based): chr21:25,891,778, T>G on the plus strand (A>C on the coding strand, the complement: APP is on the minus strand). VCF-style: chr21-25891778-T-G. GRCh37 (hg19) VCF-style: chr21-27264090-T-G.
Other names: p.Thr719Pro; c.2083A>C, p.Thr695Pro (NM_001136016.3); c.1762A>C, p.Thr588Pro (NM_001136129.3); c.1987A>C, p.Thr663Pro (NM_001136130.3, NM_001385253.1); c.1825A>C, p.Thr609Pro (NM_001136131.3); c.2101A>C, p.Thr701Pro (NM_001204301.2); c.2044A>C, p.Thr682Pro (NM_001204302.2); c.1876A>C, p.Thr626Pro (NM_001204303.2); and 2 more; short protein forms T588P, T609P, T626P, T644P, T663P, T682P, T695P, T700P.
Identifiers: ClinVar variation 1342870 (VCV001342870.3), dbSNP rs2146237857, ClinGen allele CA409805542.
Genomic context (GRCh38, chr21:25,891,778, plus strand): 5'-CTACCTCCACCACACCATGATGAATGGATGTGTACTGTTTCTTCTTCAGCATCACCAAGG[T>G]GATGACGATCACTGTCGCTATGACAACACCGCCCACCATGAGTCCAATGATTGCACCTTT-3'
Protein context (NP_000475.1, residues 709-729): GVVIATVIVI[Thr719Pro]LVMLKKKQYT

ClinVar aggregate classification (germline): Likely pathogenic (1 of 4 stars; one submission).

Conditions:
Alzheimer disease type 1 (AD1). Also called: ALZHEIMER DISEASE, FAMILIAL, 1; ALZHEIMER DISEASE, FAMILIAL, 1, AUTOSOMAL RECESSIVE. Identifiers: MedGen C1863052, MONDO:0007088, OMIM 104300.

Submission:

Foundation for Research in Genetics and Endocrinology, FRIGE's Institute of Human Genetics
Classification: Likely pathogenic for Alzheimer disease type 1. Last evaluated: 2021-10-27. Review status: criteria provided, single submitter. Criteria: ACMG Guidelines, 2015. Collection method: clinical testing. Allele origin: germline. Inheritance: Autosomal dominant inheritance. Affected: yes. Observed: 1 heterozygote.
Comment: A heterozygous missense variation in exon 17 of the APP gene that results in the amino acid substitution of Proline for Threonine at codon 719 was detected. The observed variant c.2155A>C (p.Thr719Pro) has not been reported in the 1000 genomes and gnomAD database. The in-silico prediction of the variant are probably damaging by PolyPhen-2 and damaging by SIFT, MutationTaster2 and LRT. The reference codon is conserved across species. In summary, the variant meets our criteria to be classified as a likely pathogenic variant.